The following is an entry in ClinVar:

NM_033225.6(CSMD1):c.7856-3626C>G

Genes: CSMD1 (CUB and Sushi multiple domains 1; minus strand), LOC105377785 (uncharacterized LOC105377785; plus strand). Cytogenetic location: 8p23.2.
Variant type: single nucleotide variant.
Coding change: c.7856-3626C>G on transcript NM_033225.6 (MANE Select); 3626 bases into the intron before coding-DNA position 7856, C replaced by G.
Molecular consequence: intron variant. On other transcripts: non-coding transcript variant (5).
Genome position (GRCh38, 1-based): chr8:3,022,276, G>C on the plus strand (C>G on the coding strand, the complement: CSMD1 is on the minus strand). VCF-style: chr8-3022276-G-C. GRCh37 (hg19) VCF-style: chr8-2879798-G-C.
Identifiers: ClinVar variation 2658324 (VCV002658324.24), dbSNP rs1486380984, ClinGen allele CA579316087.
Genomic context (GRCh38, chr8:3,022,276, plus strand): 5'-GCATCCGGAATACACCCGCAATCCCACAGCATCTGGAATGCACCCGCAATCCCACATCCA[G>C]AGCATCCGGAATGCACCCGCAATCCCACAGCATCCGGAATGCACCCGCAATCCCACAGCA-3'

ClinVar aggregate classification (germline): Benign (1 of 4 stars; one submission).

Submission:

CeGaT Center for Human Genetics Tuebingen
Classification: Benign. Last evaluated: 2022-10-01. Review status: criteria provided, single submitter. Criteria: CeGaT Center For Human Genetics Tuebingen Variant Classification Criteria Version 2. Collection method: clinical testing. Allele origin: germline. Affected: yes. Observed: 1 variant allele.
Comment: CSMD1: BS1, BS2